The following is an entry in ClinVar:

NM_001134382.3(IQSEC1):c.973G>A (p.Ala325Thr)

Gene: IQSEC1 (IQ motif and Sec7 domain ArfGEF 1; minus strand). Cytogenetic location: 3p25.2.
Variant type: single nucleotide variant.
Coding change: c.973G>A on transcript NM_001134382.3 (MANE Select); coding-DNA position 973, G replaced by A.
Protein change: p.Ala325Thr; replaces alanine 325 with threonine.
Molecular consequence: missense variant.
Genome position (GRCh38, 1-based): chr3:12,936,043, C>T on the plus strand (G>A on the coding strand, the complement: IQSEC1 is on the minus strand). VCF-style: chr3-12936043-C-T. GRCh37 (hg19) VCF-style: chr3-12977543-C-T.
Other names: c.649G>A, p.Ala217Thr (NM_001330619.3); c.1297G>A, p.Ala433Thr (NM_001376938.2); c.1015G>A, p.Ala339Thr (NM_014869.8); short protein forms A433T, A325T, A339T, A217T.
Identifiers: ClinVar variation 2510134 (VCV002510134.18), dbSNP rs372228887, ClinGen allele CA2262379.

ClinVar aggregate classification (germline): Conflicting classifications of pathogenicity. Review status: criteria provided, conflicting classifications (1 of 4 stars). 2 submissions from 2 submitters: Uncertain significance (1); Likely benign (1). Last evaluated 2024-08-01.

Allele frequency attached by ClinVar (database versions not stated): gnomAD 0.00003; TOPMed 0.00005; ESP Exome Variant Server 0.00008; gnomAD exomes 0.00009; ExAC 0.00014.
gnomAD v4.1: 136 of 1,603,538 alleles (0.0085%); highest among the groups gnomAD compares: Middle Eastern, 0.017%; no homozygotes.

Submissions (2):

CeGaT Center for Human Genetics Tuebingen
Classification: Uncertain significance. Last evaluated: 2024-08-01. Review status: criteria provided, single submitter. Criteria: CeGaT Center For Human Genetics Tuebingen Variant Classification Criteria Version 2. Collection method: clinical testing. Allele origin: germline. Affected: yes. Observed: 1 variant allele.
Comment: IQSEC1: PM2, BP4

Ambry Genetics
Classification: Likely benign. Last evaluated: 2023-05-23. Review status: criteria provided, single submitter. Criteria: Ambry Variant Classification Scheme 2023. Collection method: clinical testing. Allele origin: germline.